The following is an entry in ClinVar:

NM_000551.4(VHL):c.460C>G (p.Pro154Ala)

Genes: VHL (von Hippel-Lindau tumor suppressor; plus strand), LOC107303340 (3p25 von Hippel-Lindau tumor suppressor, E3 ubiquitin protein ligase Alu-mediated recombination region; plus strand). Cytogenetic location: 3p25.3.
Variant type: single nucleotide variant.
Coding change: c.460C>G on transcript NM_000551.4 (MANE Select); coding-DNA position 460, C replaced by G.
Protein change: p.Pro154Ala; replaces proline 154 with alanine.
Molecular consequence: missense variant. On other transcripts: intron variant (2).
Genome position (GRCh38, 1-based): chr3:10,146,633, C>G. VCF-style: chr3-10146633-C-G. GRCh37 (hg19) VCF-style: chr3-10188317-C-G.
Other names: c.*18-3154C>G (NM_001354723.2); c.341-3154C>G (NM_198156.3); short protein forms P154A.
Identifiers: ClinVar variation 526670 (VCV000526670.9), dbSNP rs1553619993, ClinGen allele CA351754403.

ClinVar aggregate classification (germline): Likely pathogenic (1 of 4 stars; one submission).

Conditions:
Chuvash polycythemia. Also called: POLYCYTHEMIA, VHL-DEPENDENT. Identifiers: Orphanet 238557, MedGen C1837915, MONDO:0009892, OMIM 263400.
Von Hippel-Lindau syndrome (VHLS). Also called: von Hippel–Lindau syndrome; VHL syndrome; Von Hippel-Lindau. Identifiers: Orphanet 892, MedGen C0019562, MONDO:0008667, OMIM 193300. Disease mechanism: loss of function.

Submission:

Labcorp Genetics (formerly Invitae), Labcorp
Classification: Likely pathogenic for Von Hippel-Lindau syndrome; Chuvash polycythemia. Last evaluated: 2022-11-29. Review status: criteria provided, single submitter. Criteria: Invitae Variant Classification Sherloc (09022015). Collection method: clinical testing. Allele origin: germline.
Comment: In summary, the currently available evidence indicates that the variant is pathogenic, but additional data are needed to prove that conclusively. Therefore, this variant has been classified as Likely Pathogenic. This variant disrupts the p.Pro154 amino acid residue in VHL. Other variant(s) that disrupt this residue have been determined to be pathogenic (PMID: 7987306, 8956040, 17024664, 20660572, 23143947, 25867206). This suggests that this residue is clinically significant, and that variants that disrupt this residue are likely to be disease-causing. Advanced modeling of protein sequence and biophysical properties (such as structural, functional, and spatial information, amino acid conservation, physicochemical variation, residue mobility, and thermodynamic stability) performed at Invitae indicates that this missense variant is expected to disrupt VHL protein function. ClinVar contains an entry for this variant (Variation ID: 526670). This variant has not been reported in the literature in individuals affected with VHL-related conditions. This variant is not present in population databases (gnomAD no frequency). This sequence change replaces proline, which is neutral and non-polar, with alanine, which is neutral and non-polar, at codon 154 of the VHL protein (p.Pro154Ala).

Literature cited by the submitters: PubMed 7987306; PubMed 8956040; PubMed 17024664; PubMed 20660572; PubMed 23143947; PubMed 25867206.